The following is an entry in ClinVar:

ClinVar aggregate classification (germline): Uncertain significance. Review status: criteria provided, multiple submitters, no conflicts (2 of 4 stars). 2 submissions from 2 submitters: Uncertain significance (2). Last evaluated 2025-05-21.

Allele frequency attached by ClinVar (database versions not stated): TOPMed below 0.00001; gnomAD 0.00001.
gnomAD v4.1: 3 of 1,614,060 alleles (0.00019%); highest among the groups gnomAD compares: African/African-American, 0.0013%; no homozygotes.

Submissions (2):

Labcorp Genetics (formerly Invitae), Labcorp
Classification: Uncertain significance. Last evaluated: 2025-05-21. Review status: criteria provided, single submitter. Criteria: Invitae Variant Classification Sherloc (09022015). Collection method: clinical testing. Allele origin: germline.
Comment: This sequence change replaces isoleucine, which is neutral and non-polar, with valine, which is neutral and non-polar, at codon 220 of the CTNNA1 protein (p.Ile220Val). This variant is present in population databases (no rsID available, gnomAD 0.007%). This variant has not been reported in the literature in individuals affected with CTNNA1-related conditions. ClinVar contains an entry for this variant (Variation ID: 1496455). Invitae Evidence Modeling of protein sequence and biophysical properties (such as structural, functional, and spatial information, amino acid conservation, physicochemical variation, residue mobility, and thermodynamic stability) indicates that this missense variant is not expected to disrupt CTNNA1 protein function with a negative predictive value of 80%. In summary, the available evidence is currently insufficient to determine the role of this variant in disease. Therefore, it has been classified as a Variant of Uncertain Significance.

Blueprint Genetics
Classification: Uncertain significance. Last evaluated: 2022-06-23. Review status: criteria provided, single submitter. Criteria: ACMG Guidelines, 2015. Collection method: clinical testing. Allele origin: germline.

NM_001903.5(CTNNA1):c.658A>G (p.Ile220Val)

Gene: CTNNA1 (catenin alpha 1; plus strand). Cytogenetic location: 5q31.2.
Variant type: single nucleotide variant.
Coding change: c.658A>G on transcript NM_001903.5 (MANE Select); coding-DNA position 658, A replaced by G.
Protein change: p.Ile220Val; replaces isoleucine 220 with valine.
Molecular consequence: missense variant.
Genome position (GRCh38, 1-based): chr5:138,824,599, A>G. VCF-style: chr5-138824599-A-G. GRCh37 (hg19) VCF-style: chr5-138160288-A-G.
Other names: c.658A>G, p.Ile220Val (NM_001290307.3, NM_001323982.2, NM_001323983.1 and 3 more transcripts); c.349A>G, p.Ile117Val (NM_001290309.3); c.289A>G, p.Ile97Val (NM_001290310.3); short protein forms I117V, I220V, I97V.
Identifiers: ClinVar variation 1496455 (VCV001496455.9), dbSNP rs1458647108, ClinGen allele CA361129614.
Genomic context (GRCh38, chr5:138,824,599, plus strand): 5'-GATGTTGGCCATCGTGATCAGATGGCTGCAGCTAGAGGAATCCTGCAGAAGAACGTTCCG[A>G]TCCTCTATACTGCATCCCAGGCATGCCTACAGCACCCTGATGTCGCAGCCTATAAGGCCA-3'
Protein context (NP_001894.2, residues 210-230): ARGILQKNVP[Ile220Val]LYTASQACLQ